The following is an entry in ClinVar:

NM_000191.3(HMGCL):c.714T>G (p.Tyr238Ter)

Gene: HMGCL (3-hydroxy-3-methylglutaryl-CoA lyase; minus strand). Cytogenetic location: 1p36.11.
Variant type: single nucleotide variant.
Coding change: c.714T>G on transcript NM_000191.3 (MANE Select); coding-DNA position 714, T replaced by G.
Protein change: p.Tyr238Ter; replaces tyrosine 238 with a stop codon.
Molecular consequence: nonsense.
Genome position (GRCh38, 1-based): chr1:23,808,171, A>C on the plus strand (T>G on the coding strand, the complement: HMGCL is on the minus strand). VCF-style: chr1-23808171-A-C. GRCh37 (hg19) VCF-style: chr1-24134661-A-C.
Other names: c.501T>G, p.Tyr167Ter (NM_001166059.2); short protein forms Y167*, Y238*.
Identifiers: ClinVar variation 984175 (VCV000984175.3), dbSNP rs1638446662, ClinGen allele CA339023289.

ClinVar aggregate classification (germline): Likely pathogenic (1 of 4 stars; one submission).

Conditions:
Deficiency of hydroxymethylglutaryl-CoA lyase (HMGCLD). Also called: HMGCL DEFICIENCY; HYDROXYMETHYLGLUTARIC ACIDURIA; HMG-CoA LYASE DEFICIENCY; Defect in leucine metabolism; 3-hydroxy-3-methylglutaric aciduria. Identifiers: Orphanet 20, MedGen C1533587, MONDO:0009520, OMIM 246450.

Submission:

Myriad Genetics, Inc.
Classification: Likely pathogenic for Deficiency of hydroxymethylglutaryl-CoA lyase. Last evaluated: 2019-06-29. Review status: criteria provided, single submitter. Criteria: Myriad Women's Health Autosomal Recessive and X-Linked Classification Criteria (2019). Collection method: clinical testing. Allele origin: unknown.
Comment: NM_000191.2(HMGCL):c.714T>G(Y238*) is expected to be pathogenic in the context of HMG-CoA lyase deficiency. This variant is predicted to lead to an abnormal or absent protein product due to the creation of a premature termination codon in HMGCL, a gene where loss-of-function variants are known to be pathogenic. Please note: this variant was assessed in the context of healthy population screening.